The following is an entry in ClinVar:

ClinVar aggregate classification (germline): Benign/Likely benign. Review status: criteria provided, multiple submitters, no conflicts (2 of 4 stars). 8 submissions from 8 submitters: Benign (5); Likely benign (3). Last evaluated 2025-10-08.

Conditions:
Charcot-Marie-Tooth disease. Also called: Charcot-Marie-Tooth Hereditary Neuropathy; Charcot-Marie-Tooth Neuropathy. Identifiers: Orphanet 166, MedGen C0007959, MONDO:0015626.
Hereditary sensory and autonomic neuropathy type 1 (HSAN1). Also called: HSAN 1; HSN Type I; Hereditary Sensory Neuropathy Type I. Identifiers: Orphanet 36386, MedGen C0020071, MONDO:0018213.

Allele frequency attached by ClinVar (database versions not stated): gnomAD exomes 0.00067 and 0.00026; ESP Exome Variant Server 0.00192; TOPMed 0.00280; 1000 Genomes Project 30x 0.00344; gnomAD 0.00262 and 0.00272; ExAC 0.00074; 1000 Genomes Project 0.00379.
gnomAD v4.1: 798 of 1,614,186 alleles (0.049%); highest among the groups gnomAD compares: African/African-American, 0.92%; 4 homozygotes.

Submissions (8):

Labcorp Genetics (formerly Invitae), Labcorp
Classification: Benign for Hereditary sensory and autonomic neuropathy type 1. Last evaluated: 2025-10-08. Review status: criteria provided, single submitter. Criteria: Invitae Variant Classification Sherloc (09022015). Collection method: clinical testing. Allele origin: germline.

ARUP Laboratories, Molecular Genetics and Genomics, ARUP Laboratories
Classification: Benign. Last evaluated: 2024-10-15. Review status: criteria provided, single submitter. Criteria: ARUP Molecular Germline Variant Investigation Process 2024. Collection method: clinical testing. Allele origin: germline.

Blueprint Genetics
Classification: Likely benign. Last evaluated: 2024-07-17. Review status: criteria provided, single submitter. Criteria: ACMG Guidelines, 2015. Collection method: clinical testing. Allele origin: germline.

Mayo Clinic Laboratories, Mayo Clinic
Classification: Benign. Last evaluated: 2023-04-20. Review status: criteria provided, single submitter. Criteria: ACMG Guidelines, 2015. Collection method: clinical testing. Allele origin: germline. Observed: 4 variant alleles.
Comment: BS1, BS2, BP4

CeGaT Center for Human Genetics Tuebingen
Classification: Benign. Last evaluated: 2022-03-01. Review status: criteria provided, single submitter. Criteria: CeGaT Center For Human Genetics Tuebingen Variant Classification Criteria Version 2. Collection method: clinical testing. Allele origin: germline. Affected: yes. Observed: 1 variant allele.
Comment: SPTLC1: BS1, BS2

GeneDx
Classification: Likely benign. Last evaluated: 2020-03-26. Review status: criteria provided, single submitter. Criteria: GeneDx Variant Classification Process June 2021. Collection method: clinical testing. Allele origin: germline. Affected: yes.

Eurofins Ntd Llc (ga)
Classification: Benign. Last evaluated: 2016-05-13. Review status: criteria provided, single submitter. Criteria: EGL Classification Definitions 2015. Collection method: clinical testing. Allele origin: germline. Observed: 1 variant allele, 1 heterozygote.

Molecular Genetics Laboratory, London Health Sciences Centre
Classification: Likely benign for Charcot-Marie-Tooth disease. Review status: criteria provided, single submitter. Criteria: ACMG Guidelines, 2015. Collection method: clinical testing. Allele origin: germline. Affected: yes.

NM_006415.4(SPTLC1):c.1411G>A (p.Val471Ile)

Gene: SPTLC1 (serine palmitoyltransferase long chain base subunit 1; minus strand). Cytogenetic location: 9q22.31.
Variant type: single nucleotide variant.
Coding change: c.1411G>A on transcript NM_006415.4 (MANE Select); coding-DNA position 1411, G replaced by A.
Protein change: p.Val471Ile; replaces valine 471 with isoleucine.
Molecular consequence: missense variant.
Genome position (GRCh38, 1-based): chr9:92,032,476, C>T on the plus strand (G>A on the coding strand, the complement: SPTLC1 is on the minus strand). VCF-style: chr9-92032476-C-T. GRCh37 (hg19) VCF-style: chr9-94794758-C-T.
Other names: c.1411G>A (LRG_272t1); c.1379G>A, p.Arg460His (NM_001281303.2); c.1045G>A, p.Val349Ile (NM_001368272.1); c.946G>A, p.Val316Ile (NM_001368273.1); short protein forms V471I, V316I, V349I, R460H.
Identifiers: ClinVar variation 287303 (VCV000287303.65), dbSNP rs141292904, ClinGen allele CA5121185.